The following is an entry in ClinVar:

ClinVar aggregate classification (germline): Likely pathogenic (1 of 4 stars; one submission).

Submission:

Labcorp Genetics (formerly Invitae), Labcorp
Classification: Likely pathogenic. Last evaluated: 2023-11-15. Review status: criteria provided, single submitter. Criteria: Invitae Variant Classification Sherloc (09022015). Collection method: clinical testing. Allele origin: germline.
Comment: This sequence change replaces glutamic acid, which is acidic and polar, with glutamine, which is neutral and polar, at codon 282 of the KCNJ11 protein (p.Glu282Gln). This variant is not present in population databases (gnomAD no frequency). This variant has not been reported in the literature in individuals affected with KCNJ11-related conditions. Advanced modeling of protein sequence and biophysical properties (such as structural, functional, and spatial information, amino acid conservation, physicochemical variation, residue mobility, and thermodynamic stability) performed at Invitae indicates that this missense variant is expected to disrupt KCNJ11 protein function with a positive predictive value of 95%. This variant disrupts the p.Glu282 amino acid residue in KCNJ11. Other variant(s) that disrupt this residue have been determined to be pathogenic (PMID: 17114887, 17956278, 19357197, 33762279). This suggests that this residue is clinically significant, and that variants that disrupt this residue are likely to be disease-causing. In summary, the currently available evidence indicates that the variant is pathogenic, but additional data are needed to prove that conclusively. Therefore, this variant has been classified as Likely Pathogenic.

Literature cited by the submitters: PubMed 17114887; PubMed 17956278; PubMed 19357197; PubMed 33762279.

NM_000525.4(KCNJ11):c.844G>C (p.Glu282Gln)

Gene: KCNJ11 (potassium inwardly rectifying channel subfamily J member 11; minus strand). Cytogenetic location: 11p15.1.
Variant type: single nucleotide variant.
Coding change: c.844G>C on transcript NM_000525.4 (MANE Select); coding-DNA position 844, G replaced by C.
Protein change: p.Glu282Gln; replaces glutamic acid 282 with glutamine.
Molecular consequence: missense variant.
Genome position (GRCh38, 1-based): chr11:17,387,248, C>G on the plus strand (G>C on the coding strand, the complement: KCNJ11 is on the minus strand). VCF-style: chr11-17387248-C-G. GRCh37 (hg19) VCF-style: chr11-17408795-C-G.
Other names: c.583G>C, p.Glu195Gln (NM_001166290.2, NM_001377296.1, NM_001377297.1); short protein forms E282Q, E195Q.
Identifiers: ClinVar variation 2725519 (VCV002725519.3), dbSNP rs267607196, ClinGen allele CA379770329.